The following is an entry in ClinVar:

NM_152564.5(VPS13B):c.1010A>G (p.Gln337Arg)

Gene: VPS13B (vacuolar protein sorting 13 homolog B; plus strand). Cytogenetic location: 8q22.2.
Variant type: single nucleotide variant.
Coding change: c.1010A>G on transcript NM_152564.5 (MANE Select); coding-DNA position 1010, A replaced by G.
Protein change: p.Gln337Arg; replaces glutamine 337 with arginine.
Molecular consequence: missense variant. On other transcripts: non-coding transcript variant (1).
Genome position (GRCh38, 1-based): chr8:99,121,249, A>G. VCF-style: chr8-99121249-A-G. GRCh37 (hg19) VCF-style: chr8-100133477-A-G.
Other names: c.1010A>G, p.Gln337Arg (NM_015243.3, NM_017890.5, NM_181661.3); short protein forms Q337R.
Identifiers: ClinVar variation 4989820 (VCV004989820.1).

ClinVar aggregate classification (germline): Uncertain significance (1 of 4 stars; one submission).

Conditions:
VPS13B-related disorder. Also called: VPS13B-related condition.

gnomAD v4.1: 11 of 1,614,060 alleles (0.00068%); highest among the groups gnomAD compares: Non-Finnish European, 0.00085%; no homozygotes.

Submission:

PreventionGenetics, part of Exact Sciences
Classification: Uncertain significance for VPS13B-related condition. Last evaluated: 2026-05-13. Review status: criteria provided, single submitter. Criteria: ACMG Guidelines, 2015. Collection method: clinical testing. Allele origin: germline.
Comment: The VPS13B c.1010A>G variant is predicted to result in the amino acid substitution p.Gln337Arg. To our knowledge, this variant has not been reported in the literature or in gnomAD, indicating this variant is rare. At this time, the clinical significance of this variant is uncertain due to the absence of conclusive functional and genetic evidence.